The following is an entry in ClinVar:

NM_000465.4(BARD1):c.80A>C (p.Glu27Ala)

Gene: BARD1 (BRCA1 associated RING domain 1; minus strand). Cytogenetic location: 2q35.
Variant type: single nucleotide variant.
Coding change: c.80A>C on transcript NM_000465.4 (MANE Select); coding-DNA position 80, A replaced by C.
Protein change: p.Glu27Ala; replaces glutamic acid 27 with alanine.
Molecular consequence: missense variant. On other transcripts: non-coding transcript variant (3).
Genome position (GRCh38, 1-based): chr2:214,809,490, T>G on the plus strand (A>C on the coding strand, the complement: BARD1 is on the minus strand). VCF-style: chr2-214809490-T-G. GRCh37 (hg19) VCF-style: chr2-215674214-T-G.
Other names: c.80A>C, p.Glu27Ala (NM_001282543.2, NM_001282545.2, NM_001282548.2 and 1 more transcripts); short protein forms E27A.
Identifiers: ClinVar variation 460764 (VCV000460764.19), dbSNP rs989352819, ClinGen allele CA64810363.

ClinVar aggregate classification (germline): Uncertain significance. Review status: criteria provided, multiple submitters, no conflicts (2 of 4 stars). 4 submissions from 4 submitters: Uncertain significance (3). 1 of the submissions does not count toward it. Last evaluated 2026-01-11.

Conditions:
Familial cancer of breast. Also called: BREAST CANCER, FAMILIAL; hereditary breast carcinoma; Hereditary breast cancer. Identifiers: Orphanet 227535, MedGen C0346153, MONDO:0016419, OMIM 114480. Disease mechanism: loss of function.
BARD1-related disorder. Also called: BARD1-related condition.
Hereditary cancer-predisposing syndrome. Also called: Neoplastic Syndromes, Hereditary; Tumor predisposition; Hereditary Cancer Syndrome; Hereditary neoplastic syndrome. Identifiers: Orphanet 140162, MedGen C0027672, MeSH D009386, MONDO:0015356.

Allele frequency attached by ClinVar (database versions not stated): gnomAD exomes below 0.00001.
gnomAD v4.1: 1 of 1,608,372 alleles (0.000062%); highest among the groups gnomAD compares: Non-Finnish European, 0.000085%; no homozygotes.

Submissions (4):

Labcorp Genetics (formerly Invitae), Labcorp
Classification: Uncertain significance for Familial cancer of breast. Last evaluated: 2026-01-11. Review status: criteria provided, single submitter. Criteria: Invitae Variant Classification Sherloc (09022015). Collection method: clinical testing. Allele origin: germline.
Comment: This sequence change replaces glutamic acid, which is acidic and polar, with alanine, which is neutral and non-polar, at codon 27 of the BARD1 protein (p.Glu27Ala). This variant is not present in population databases (gnomAD no frequency). This variant has not been reported in the literature in individuals affected with BARD1-related conditions. ClinVar contains an entry for this variant (Variation ID: 460764). An algorithm developed to predict the effect of missense changes on protein structure and function (PolyPhen-2) suggests that this variant is likely to be tolerated. In summary, the available evidence is currently insufficient to determine the role of this variant in disease. Therefore, it has been classified as a Variant of Uncertain Significance.

Quest Diagnostics Nichols Institute San Juan Capistrano
Classification: Uncertain significance. Last evaluated: 2025-08-21. Review status: criteria provided, single submitter. Criteria: Quest Diagnostics criteria. Collection method: clinical testing. Allele origin: unknown.
Comment: The BARD1 c.80A>C (p.Glu27Ala) variant has been reported in the published literature in a breast cancer case in a large-scale breast cancer association study (PMID: 33471991 (2021), see also LOVD). This variant has not been reported in large, multi-ethnic general populations (Genome Aggregation Database). Analysis of this variant using bioinformatics tools for the prediction of the effect of amino acid changes on protein structure and function yielded predictions that this variant is benign. Based on the available information, we are unable to determine the clinical significance of this variant.

Ambry Genetics
Classification: Uncertain significance for Hereditary cancer-predisposing syndrome. Last evaluated: 2025-05-23. Review status: criteria provided, single submitter. Criteria: Ambry Variant Classification Scheme 2023. Collection method: clinical testing. Allele origin: germline.
Comment: The p.E27A variant (also known as c.80A>C), located in coding exon 1 of the BARD1 gene, results from an A to C substitution at nucleotide position 80. The glutamic acid at codon 27 is replaced by alanine, an amino acid with dissimilar properties. This amino acid position is not well conserved in available vertebrate species. In addition, this alteration is predicted to be tolerated by in silico analysis. Since supporting evidence is limited at this time, the clinical significance of this alteration remains unclear.

PreventionGenetics, part of Exact Sciences
Classification: Uncertain significance for BARD1-related condition. Last evaluated: 2024-06-13. Review status: no assertion criteria provided. Collection method: clinical testing. Allele origin: germline. Not counted in ClinVar's aggregate classification.
Comment: The BARD1 c.80A>C variant is predicted to result in the amino acid substitution p.Glu27Ala. To our knowledge, this variant has not been reported in the literature or in a large population database, indicating this variant is rare. This variant is interpreted as a variant of uncertain significance by multiple submitters in ClinVar. At this time, the clinical significance of this variant is uncertain due to the absence of conclusive functional and genetic evidence.

Literature cited by the submitters: PubMed 33471991 (cited by Quest Diagnostics Nichols Institute San Juan Capistrano).